The following is an entry in ClinVar:

ClinVar aggregate classification (germline): Conflicting classifications of pathogenicity. Review status: criteria provided, conflicting classifications (1 of 4 stars). 4 submissions from 4 submitters: Uncertain significance (3); Likely benign (1). Last evaluated 2025-09-21.

Conditions:
Inborn genetic diseases. Identifiers: MedGen C0950123, MeSH D030342.
Bethlem myopathy 2 (BTHLM2). Identifiers: Orphanet 536516, Orphanet 610, MedGen C4225313, MONDO:0034022, OMIM 616471.
Ullrich congenital muscular dystrophy. Also called: Ullrich Congenital Muscular Dystrophy (UCMD); Ullrich muscular dystrophy. Identifiers: Orphanet 75840, MedGen C4551860, MONDO:0000355.
Ullrich congenital muscular dystrophy 2 (UCMD2). Identifiers: Orphanet 75840, MedGen C4225314, MONDO:0014654, OMIM 616470.

Allele frequency attached by ClinVar (database versions not stated): ExAC 0.00001; gnomAD exomes 0.00001 and 0.00003; TOPMed 0.00002.
gnomAD v4.1: 34 of 1,613,850 alleles (0.0021%); highest among the groups gnomAD compares: East Asian, 0.0089%; no homozygotes.

Submissions (4):

Labcorp Genetics (formerly Invitae), Labcorp
Classification: Likely benign for Bethlem myopathy 2; Ullrich congenital muscular dystrophy 2. Last evaluated: 2025-09-21. Review status: criteria provided, single submitter. Criteria: Invitae Variant Classification Sherloc (09022015). Collection method: clinical testing. Allele origin: germline.

Ambry Genetics
Classification: Uncertain significance for Inborn genetic diseases. Last evaluated: 2025-08-31. Review status: criteria provided, single submitter. Criteria: Ambry Variant Classification Scheme 2023. Collection method: clinical testing. Allele origin: germline.

Revvity Omics, Revvity
Classification: Uncertain significance. Last evaluated: 2024-10-18. Review status: criteria provided, single submitter. Criteria: ACMG Guidelines, 2015. Collection method: clinical testing. Allele origin: germline.

Blueprint Genetics
Classification: Uncertain significance. Last evaluated: 2024-07-02. Review status: criteria provided, single submitter. Criteria: ACMG Guidelines, 2015. Collection method: clinical testing. Allele origin: germline.

NM_004370.6(COL12A1):c.4616C>T (p.Thr1539Met)

Gene: COL12A1 (collagen type XII alpha 1 chain; minus strand). Cytogenetic location: 6q13.
Variant type: single nucleotide variant.
Coding change: c.4616C>T on transcript NM_004370.6 (MANE Select); coding-DNA position 4616, C replaced by T.
Protein change: p.Thr1539Met; replaces threonine 1539 with methionine.
Molecular consequence: missense variant.
Genome position (GRCh38, 1-based): chr6:75,145,400, G>A on the plus strand (C>T on the coding strand, the complement: COL12A1 is on the minus strand). VCF-style: chr6-75145400-G-A. GRCh37 (hg19) VCF-style: chr6-75855116-G-A.
Other names: c.1124C>T, p.Thr375Met (NM_080645.3); short protein forms T375M, T1539M.
Identifiers: ClinVar variation 838940 (VCV000838940.14), dbSNP rs373216375, ClinGen allele CA3893400.